The following is an entry in ClinVar:

NM_000539.3(RHO):c.670G>A (p.Gly224Arg)

Gene: RHO (rhodopsin; plus strand). Cytogenetic location: 3q22.1.
Variant type: single nucleotide variant.
Coding change: c.670G>A on transcript NM_000539.3 (MANE Select); coding-DNA position 670, G replaced by A.
Protein change: p.Gly224Arg; replaces glycine 224 with arginine.
Molecular consequence: missense variant.
Genome position (GRCh38, 1-based): chr3:129,532,390, G>A. VCF-style: chr3-129532390-G-A. GRCh37 (hg19) VCF-style: chr3-129251233-G-A.
Other names: short protein forms G224R.
Identifiers: ClinVar variation 1362897 (VCV001362897.8), dbSNP rs759021503, ClinGen allele CA354470040.

ClinVar aggregate classification (germline): Uncertain significance (1 of 4 stars; one submission).

Allele frequency attached by ClinVar (database versions not stated): gnomAD 0.00001; gnomAD exomes 0.00002; TOPMed 0.00002.
gnomAD v4.1: 36 of 1,613,928 alleles (0.0022%); highest among the groups gnomAD compares: Non-Finnish European, 0.0029%; 1 homozygote.

Submission:

Labcorp Genetics (formerly Invitae), Labcorp
Classification: Uncertain significance. Last evaluated: 2024-10-15. Review status: criteria provided, single submitter. Criteria: Invitae Variant Classification Sherloc (09022015). Collection method: clinical testing. Allele origin: germline.
Comment: This sequence change replaces glycine, which is neutral and non-polar, with arginine, which is basic and polar, at codon 224 of the RHO protein (p.Gly224Arg). This variant is present in population databases (no rsID available, gnomAD 0.003%). This missense change has been observed in individual(s) with autosomal dominant retinitis pigmentosa (PMID: 34327195). ClinVar contains an entry for this variant (Variation ID: 1362897). Invitae Evidence Modeling of protein sequence and biophysical properties (such as structural, functional, and spatial information, amino acid conservation, physicochemical variation, residue mobility, and thermodynamic stability) indicates that this missense variant is expected to disrupt RHO protein function with a positive predictive value of 95%. This variant disrupts the p.Gly224 amino acid residue in RHO. Other variant(s) that disrupt this residue have been observed in individuals with RHO-related conditions (PMID: 34327195; internal data), which suggests that this may be a clinically significant amino acid residue. In summary, the available evidence is currently insufficient to determine the role of this variant in disease. Therefore, it has been classified as a Variant of Uncertain Significance.

Literature cited by the submitters: PubMed 34327195.